The following is an entry in ClinVar:

NM_032816.5(CEP89):c.306-3C>T

Gene: CEP89 (centrosomal protein 89; minus strand). Cytogenetic location: 19q13.11.
Variant type: single nucleotide variant.
Coding change: c.306-3C>T on transcript NM_032816.5 (MANE Select); 3 bases into the intron before coding-DNA position 306, C replaced by T.
Molecular consequence: intron variant.
Genome position (GRCh38, 1-based): chr19:32,953,804, G>A on the plus strand (C>T on the coding strand, the complement: CEP89 is on the minus strand). VCF-style: chr19-32953804-G-A. GRCh37 (hg19) VCF-style: chr19-33444710-G-A.
Identifiers: ClinVar variation 2787297 (VCV002787297.3), dbSNP rs745361300, ClinGen allele CA9359811.

ClinVar aggregate classification (germline): Uncertain significance (1 of 4 stars; one submission).

Allele frequency attached by ClinVar (database versions not stated): ExAC 0.00001; gnomAD 0.00001; gnomAD exomes 0.00002.
gnomAD v4.1: 25 of 1,602,168 alleles (0.0016%); highest among the groups gnomAD compares: Non-Finnish European, 0.0021%; no homozygotes.

Submission:

Labcorp Genetics (formerly Invitae), Labcorp
Classification: Uncertain significance. Last evaluated: 2022-12-30. Review status: criteria provided, single submitter. Criteria: Invitae Variant Classification Sherloc (09022015). Collection method: clinical testing. Allele origin: germline.
Comment: This variant is present in population databases (rs745361300, gnomAD 0.002%). This sequence change falls in intron 3 of the CEP89 gene. It does not directly change the encoded amino acid sequence of the CEP89 protein. It affects a nucleotide within the consensus splice site. This variant has not been reported in the literature in individuals affected with CEP89-related conditions. In summary, the available evidence is currently insufficient to determine the role of this variant in disease. Therefore, it has been classified as a Variant of Uncertain Significance. Variants that disrupt the consensus splice site are a relatively common cause of aberrant splicing (PMID: 17576681, 9536098). Algorithms developed to predict the effect of sequence changes on RNA splicing suggest that this variant is not likely to affect RNA splicing.

Literature cited by the submitters: PubMed 17576681; PubMed 9536098.